The following is an entry in ClinVar:

NM_001029883.3(PCARE):c.1841_1848del (p.Arg614fs)

Gene: PCARE (photoreceptor cilium actin regulator; minus strand). Cytogenetic location: 2p23.2.
Variant type: Deletion.
Coding change: c.1841_1848del on transcript NM_001029883.3 (MANE Select); coding-DNA positions 1841 to 1848, 8 bases deleted (GGGTCCAG; older notation c.1841_1848delGGGTCCAG).
Protein change: p.Arg614fs; shifts the reading frame from arginine 614.
Molecular consequence: frameshift variant.
Genome position (GRCh38, 1-based): chr2:29,072,414-29,072,421, CTGGACCC deleted on the plus strand (GGGTCCAG on the coding strand, the reverse complement: PCARE is on the minus strand). VCF-style (leftmost placement, unchanged base first): chr2-29072413-TCTGGACCC-T. GRCh37 (hg19) VCF-style: chr2-29295279-TCTGGACCC-T.
Other names: short protein forms R614fs.
Identifiers: ClinVar variation 1073517 (VCV001073517.7), dbSNP rs2148416007, ClinGen allele CA2499215856.

ClinVar aggregate classification (germline): Pathogenic (1 of 4 stars; one submission).

Submission:

Labcorp Genetics (formerly Invitae), Labcorp
Classification: Pathogenic. Last evaluated: 2022-01-06. Review status: criteria provided, single submitter. Criteria: Invitae Variant Classification Sherloc (09022015). Collection method: clinical testing. Allele origin: germline.
Comment: For these reasons, this variant has been classified as Pathogenic. This sequence change creates a premature translational stop signal (p.Arg614Lysfs*63) in the PCARE gene. It is expected to result in an absent or disrupted protein product. Loss-of-function variants in PCARE are known to be pathogenic (PMID: 20398886, 24339724, 26496393). This variant is not present in population databases (gnomAD no frequency). This variant has not been reported in the literature in individuals affected with PCARE-related conditions. ClinVar contains an entry for this variant (Variation ID: 1073517).

Literature cited by the submitters: PubMed 20398886; PubMed 24339724; PubMed 26496393.